The following is an entry in ClinVar:

NM_012469.4(PRPF6):c.2560C>T (p.Gln854Ter)

Gene: PRPF6 (pre-mRNA processing factor 6; plus strand). Cytogenetic location: 20q13.33.
Variant type: single nucleotide variant.
Coding change: c.2560C>T on transcript NM_012469.4 (MANE Select); coding-DNA position 2560, C replaced by T.
Protein change: p.Gln854Ter; replaces glutamine 854 with a stop codon.
Molecular consequence: nonsense.
Genome position (GRCh38, 1-based): chr20:64,031,931, C>T. VCF-style: chr20-64031931-C-T. GRCh37 (hg19) VCF-style: chr20-62663284-C-T.
Other names: short protein forms Q854*.
Identifiers: ClinVar variation 1385838 (VCV001385838.6), dbSNP rs2145403277, ClinGen allele CA409745895.

ClinVar aggregate classification (germline): Uncertain significance (1 of 4 stars; one submission).

Submission:

Labcorp Genetics (formerly Invitae), Labcorp
Classification: Uncertain significance. Last evaluated: 2022-07-12. Review status: criteria provided, single submitter. Criteria: Invitae Variant Classification Sherloc (09022015). Collection method: clinical testing. Allele origin: germline.
Comment: In summary, the available evidence is currently insufficient to determine the role of this variant in disease. Therefore, it has been classified as a Variant of Uncertain Significance. ClinVar contains an entry for this variant (Variation ID: 1385838). This variant has not been reported in the literature in individuals affected with PRPF6-related conditions. This variant is not present in population databases (gnomAD no frequency). This sequence change creates a premature translational stop signal (p.Gln854*) in the PRPF6 gene. It is expected to result in an absent or disrupted protein product. However, the current clinical and genetic evidence is not sufficient to establish whether loss-of-function variants in PRPF6 cause disease.